The following is an entry in ClinVar:

NM_000292.3(PHKA2):c.2597+11A>C

Gene: PHKA2 (phosphorylase kinase regulatory subunit alpha 2; minus strand). Cytogenetic location: Xp22.13.
Variant type: single nucleotide variant.
Coding change: c.2597+11A>C on transcript NM_000292.3 (MANE Select); 11 bases into the intron after coding-DNA position 2597, A replaced by C.
Molecular consequence: intron variant.
Genome position (GRCh38, 1-based): chrX:18,907,007, T>G on the plus strand (A>C on the coding strand, the complement: PHKA2 is on the minus strand). VCF-style: chrX-18907007-T-G. GRCh37 (hg19) VCF-style: chrX-18925125-T-G.
Identifiers: ClinVar variation 514387 (VCV000514387.1), dbSNP rs765266185, ClinGen allele CA327036950.

ClinVar aggregate classification (germline): Likely benign (1 of 4 stars; one submission).

Allele frequency attached by ClinVar (database versions not stated): TOPMed 0.00001.
gnomAD v4.1: 1 of 1,186,506 alleles (0.000084%); highest among the groups gnomAD compares: Non-Finnish European, 0.00011%; no homozygotes.

Submission:

GeneDx
Classification: Likely benign. Last evaluated: 2018-01-11. Review status: criteria provided, single submitter. Criteria: GeneDx Variant Classification (06012015). Collection method: clinical testing. Allele origin: germline. Affected: yes.
Comment: This variant is considered likely benign or benign based on one or more of the following criteria: it is a conservative change, it occurs at a poorly conserved position in the protein, it is predicted to be benign by multiple in silico algorithms, and/or has population frequency not consistent with disease.